The following is an entry in ClinVar:

NM_213599.3(ANO5):c.113G>A (p.Ser38Asn)

Gene: ANO5 (anoctamin 5; plus strand). Cytogenetic location: 11p14.3.
Variant type: single nucleotide variant.
Coding change: c.113G>A on transcript NM_213599.3 (MANE Select); coding-DNA position 113, G replaced by A.
Protein change: p.Ser38Asn; replaces serine 38 with asparagine.
Molecular consequence: missense variant.
Genome position (GRCh38, 1-based): chr11:22,211,289, G>A. VCF-style: chr11-22211289-G-A. GRCh37 (hg19) VCF-style: chr11-22232835-G-A.
Other names: c.110G>A, p.Ser37Asn (NM_001142649.2); short protein forms S38N, S37N.
Identifiers: ClinVar variation 1365033 (VCV001365033.8), dbSNP rs2133551587, ClinGen allele CA379923675.

ClinVar aggregate classification (germline): Uncertain significance (1 of 4 stars; one submission).

Conditions:
Autosomal recessive limb-girdle muscular dystrophy type 2L (LGMDR12). Also called: Limb-girdle muscular dystrophy, type 2L; MUSCULAR DYSTROPHY, LIMB-GIRDLE, AUTOSOMAL RECESSIVE 12; Limb-Girdle Muscular Dystrophy R12 Anoctamin-5-Related (LGMD-R12). Identifiers: Orphanet 206549, MedGen C1969785, MONDO:0012652, OMIM 611307.
Gnathodiaphyseal dysplasia (GDD). Also called: GNATHODIAPHYSEAL SCLEROSIS; OSTEOGENESIS IMPERFECTA WITH UNUSUAL SKELETAL LESIONS. Identifiers: Orphanet 53697, MedGen C1833736, MONDO:0008151, OMIM 166260.

Submission:

Labcorp Genetics (formerly Invitae), Labcorp
Classification: Uncertain significance for Autosomal recessive limb-girdle muscular dystrophy type 2L; Gnathodiaphyseal dysplasia. Last evaluated: 2021-07-12. Review status: criteria provided, single submitter. Criteria: Invitae Variant Classification Sherloc (09022015). Collection method: clinical testing. Allele origin: germline.
Comment: In summary, the available evidence is currently insufficient to determine the role of this variant in disease. Therefore, it has been classified as a Variant of Uncertain Significance. Advanced modeling of protein sequence and biophysical properties (such as structural, functional, and spatial information, amino acid conservation, physicochemical variation, residue mobility, and thermodynamic stability) performed at Invitae indicates that this missense variant is not expected to disrupt ANO5 protein function. This variant has not been reported in the literature in individuals affected with ANO5-related conditions. This variant is not present in population databases (ExAC no frequency). This sequence change replaces serine with asparagine at codon 38 of the ANO5 protein (p.Ser38Asn). The serine residue is weakly conserved and there is a small physicochemical difference between serine and asparagine.